The following is an entry in ClinVar:

NM_012208.4(HARS2):c.1439G>A (p.Arg480His)

Gene: HARS2 (histidyl-tRNA synthetase 2, mitochondrial; plus strand). Cytogenetic location: 5q31.3.
Variant type: single nucleotide variant.
Coding change: c.1439G>A on transcript NM_012208.4 (MANE Select); coding-DNA position 1439, G replaced by A.
Protein change: p.Arg480His; replaces arginine 480 with histidine.
Molecular consequence: missense variant.
Genome position (GRCh38, 1-based): chr5:140,698,056, G>A. VCF-style: chr5-140698056-G-A. GRCh37 (hg19) VCF-style: chr5-140077641-G-A.
Other names: c.1439G>A (NM_012208.2); c.1364G>A, p.Arg455His (NM_001278731.2); c.1007G>A, p.Arg336His (NM_001278732.2); c.1457G>A, p.Arg486His (NM_001363535.2); c.1229G>A, p.Arg410His (NM_001363536.2); short protein forms R480H, R336H, R410H, R455H, R486H.
Identifiers: ClinVar variation 635270 (VCV000635270.18), dbSNP rs200089613, ClinGen allele CA3444706.

ClinVar aggregate classification (germline): Conflicting classifications of pathogenicity. Review status: criteria provided, conflicting classifications (1 of 4 stars). 8 submissions from 8 submitters: Pathogenic (2); Likely pathogenic (3); Uncertain significance (2). 1 of the submissions does not count toward it. Last evaluated 2026-09-04.

Conditions:
HARS2-related disorders.
Perrault syndrome. Also called: Gonadal dysgenesis with auditory dysfunction, autosomal recessive inheritance. Identifiers: Orphanet 2855, MedGen C0685838, MONDO:0017312.
Sensorineural hearing loss disorder. Also called: Sensorineural hearing impairment; Sensorineural Deafness; Sensorineural hearing loss. Identifiers: MedGen C0018784, MeSH D006319, MONDO:0020678, HP:0000407.
Perrault syndrome 2 (PRLTS2). Identifiers: Orphanet 2855, Orphanet 642976, MedGen C3554105, MONDO:0013972, OMIM 614926.
HARS2-related disorder. Also called: HARS2-related condition.

Allele frequency attached by ClinVar (database versions not stated): TOPMed 0.00009.
gnomAD v4.1: 192 of 1,614,080 alleles (0.012%); highest among the groups gnomAD compares: Admixed American, 0.015%; no homozygotes.

Submissions (8):

GeneDx
Classification: Uncertain significance. Last evaluated: 2026-09-04. Review status: criteria provided, single submitter. Criteria: GeneDx Variant Classification Process June 2021. Collection method: clinical testing. Allele origin: germline.
Comment: In silico analysis supports that this missense variant has a deleterious effect on protein structure/function; Reported with a second variant, in trans, in unrelated individuals with bilateral sensorineural hearing loss in published literature (PMID: 31827252, 39062730); This variant is associated with the following publications: (PMID: 3440684, 42616676, 39062730, 31827252)

Laboratory of Molecular, Cellular and Translation Genetics in Otolaryngology/ Lim32-hcfmusp, University of Sao Paulo School of Medicine Clinics Hospital
Classification: Likely pathogenic for Perrault syndrome 2. Last evaluated: 2026-04-30. Review status: criteria provided, single submitter. Criteria: ACMG Guidelines, 2015. Collection method: research. Allele origin: germline. Affected: yes.
Comment: NM_012208.4: c.1439G>A:p.(Arg480His). This variant has been classified as likely pathogenic. It is rare in population databases (PM2_supporting), and in silico prediction tools support a deleterious effect on protein function (PP3_moderate). The variant has been repeatedly reported in trans with other pathogenic HARS2 variants and shown to segregate with Perrault syndrome in multiple families (PM3_strong; PMID: 31827252). Although the literature provides strong support for this variant, the absence of a second confirmed pathogenic variant and the lack of syndromic features consistent with Perrault syndrome limit interpretation. Therefore, the available evidence is insufficient to establish a definitive causal role for this variant in the proband as described in PMID: 42233699.

PreventionGenetics, part of Exact Sciences
Classification: Uncertain significance for HARS2-related condition. Last evaluated: 2025-12-09. Review status: criteria provided, single submitter. Criteria: ACMG Guidelines, 2015. Collection method: clinical testing. Allele origin: germline.
Comment: The HARS2 c.1439G>A variant is predicted to result in the amino acid substitution p.Arg480His. This variant was reported in the compound heterozygous state along with a second potentially causative HARS2 variant in four individuals with sensorineural hearing loss from three families (Demain et al. 2020. PubMed ID: 31827252). This variant is reported in 0.020% of alleles in individuals of Latino descent in gnomAD. Although we suspect that this variant may be pathogenic, at this time, the clinical significance of this variant is uncertain due to the absence of conclusive functional and genetic evidence.

Labcorp Genetics (formerly Invitae), Labcorp
Classification: Pathogenic. Last evaluated: 2025-08-04. Review status: criteria provided, single submitter. Criteria: Invitae Variant Classification Sherloc (09022015). Collection method: clinical testing. Allele origin: germline.
Comment: This sequence change replaces arginine, which is basic and polar, with histidine, which is basic and polar, at codon 480 of the HARS2 protein (p.Arg480His). This variant is present in population databases (rs200089613, gnomAD 0.02%). This missense change has been observed in individual(s) with Perrault syndrome (PMID: 31827252). In at least one individual the data is consistent with being in trans (on the opposite chromosome) from a pathogenic variant. It has also been observed to segregate with disease in related individuals. ClinVar contains an entry for this variant (Variation ID: 635270). Invitae Evidence Modeling of protein sequence and biophysical properties (such as structural, functional, and spatial information, amino acid conservation, physicochemical variation, residue mobility, and thermodynamic stability) has been performed for this missense variant. However, the output from this modeling did not meet the statistical confidence thresholds required to predict the impact of this variant on HARS2 protein function. For these reasons, this variant has been classified as Pathogenic.

First Genomix Gene Laboratory, Genetic Diagnostics Department
Classification: Likely pathogenic for Perrault syndrome 2. Last evaluated: 2025-03-25. Review status: criteria provided, single submitter. Criteria: ACMG Guidelines, 2015. Collection method: clinical testing. Allele origin: germline. Inheritance: Autosomal recessive inheritance. Affected: no. Observed: 1 variant allele.

Blueprint Genetics
Classification: Pathogenic for HARS2-related disorders. Last evaluated: 2024-10-21. Review status: criteria provided, single submitter. Criteria: ACMG Guidelines, 2015. Collection method: clinical testing. Allele origin: germline. Affected: yes. Observed: 5 variant alleles.

Laboratory for Molecular Medicine, Mass General Brigham Personalized Medicine
Classification: Likely pathogenic for Perrault syndrome. Last evaluated: 2023-03-24. Review status: criteria provided, single submitter. Criteria: ACMG Guidelines, 2015. Collection method: clinical testing. Allele origin: germline. Inheritance: Autosomal recessive inheritance.
Comment: The p.Arg486His variant in HARS2 (also referred to as p.Arg480His) has been reported in the compound heterozygous state in three individuals with Perrault syndrome, including in two individuals in combination with a likely pathogenic variant (Demain 2020 PMID: 31827252). The variant also segregated with disease in 1 affected relative. This variant has also been reported in ClinVar (Variation ID 635270). It has been identified in 7/68038 of European chromosomes by gnomAD v3.1.2. Computational prediction tools and conservation analyses suggest that this variant may impact the protein, though this information is not predictive enough to determine pathogenicity. In summary, although additional studies are required to fully establish its clinical significance, this variant meets criteria to be classified as likely pathogenic for autosomal recessive Perrault syndrome. ACMG/AMP Criteria applied: ACMG: PM3_Strong, PP1_Supporting, PP3, PM2_Supporting.

Dept. of Evolution and Genomic Sciences, University of Manchester
Classification: Likely pathogenic for Sensorineural hearing loss disorder. Last evaluated: 2019-01-17. Review status: no assertion criteria provided. Collection method: clinical testing. Allele origin: inherited. Inheritance: Autosomal recessive inheritance. Affected: yes. Observed: 4 variant alleles. Not counted in ClinVar's aggregate classification.
Comment: Likely pathogenic variant in a known hearing loss gene. Seen in three unrelated individuals with hearing loss as a compund heterozygous variant in trans to another likely pathogenic variant.

Literature cited by the submitters: PubMed 31827252 (cited by 3 submitters); PubMed 42233699 (cited by Laboratory of Molecular, Cellular and Translation Genetics in Otolaryngology/ Lim32-hcfmusp, University of Sao Paulo School of Medicine Clinics Hospital).